The following is an entry in ClinVar:

ClinVar aggregate classification (germline): Uncertain significance. Review status: criteria provided, multiple submitters, no conflicts (2 of 4 stars). 4 submissions from 4 submitters: Uncertain significance (4). Last evaluated 2025-01-26.

Conditions:
Inborn genetic diseases. Identifiers: MedGen C0950123, MeSH D030342.
Autosomal recessive nonsyndromic hearing loss 8 (DFNB8). Also called: NEUROSENSORY NONSYNDROMIC RECESSIVE DEAFNESS 8; Deafness, autosomal recessive 10. Identifiers: Orphanet 90636, MedGen C1832827, MONDO:0010987, OMIM 601072.

Allele frequency attached by ClinVar (database versions not stated): gnomAD 0.00001 and 0.00002; ExAC 0.00002; gnomAD exomes 0.00002 and 0.00012; TOPMed 0.00003; ESP Exome Variant Server 0.00015.
gnomAD v4.1: 184 of 1,614,088 alleles (0.011%); highest among the groups gnomAD compares: Non-Finnish European, 0.015%; no homozygotes.

Submissions (4):

Ambry Genetics
Classification: Uncertain significance for Inborn genetic diseases. Last evaluated: 2025-01-26. Review status: criteria provided, single submitter. Criteria: Ambry Variant Classification Scheme 2023. Collection method: clinical testing. Allele origin: germline.

Blueprint Genetics
Classification: Uncertain significance. Last evaluated: 2024-07-16. Review status: criteria provided, single submitter. Criteria: ACMG Guidelines, 2015. Collection method: clinical testing. Allele origin: germline.

GeneDx
Classification: Uncertain significance. Last evaluated: 2023-01-31. Review status: criteria provided, single submitter. Criteria: GeneDx Variant Classification Process June 2021. Collection method: clinical testing. Allele origin: germline. Affected: yes.
Comment: Not observed at significant frequency in large population cohorts (gnomAD); In silico analysis supports that this missense variant has a deleterious effect on protein structure/function; Has not been previously published as pathogenic or benign to our knowledge

Illumina Laboratory Services, Illumina
Classification: Uncertain significance for Autosomal recessive nonsyndromic hearing loss 8. Last evaluated: 2018-01-13. Review status: criteria provided, single submitter. Criteria: ICSL Variant Classification Criteria 13 December 2019. Collection method: clinical testing. Allele origin: germline.

NM_001256317.3(TMPRSS3):c.1004G>C (p.Gly335Ala)

Gene: TMPRSS3 (transmembrane serine protease 3; minus strand). Cytogenetic location: 21q22.3.
Variant type: single nucleotide variant.
Coding change: c.1004G>C on transcript NM_001256317.3 (MANE Select); coding-DNA position 1004, G replaced by C.
Protein change: p.Gly335Ala; replaces glycine 335 with alanine.
Molecular consequence: missense variant.
Genome position (GRCh38, 1-based): chr21:42,380,161, C>G on the plus strand (G>C on the coding strand, the complement: TMPRSS3 is on the minus strand). VCF-style: chr21-42380161-C-G. GRCh37 (hg19) VCF-style: chr21-43800270-C-G.
Other names: c.1004G>C, p.Gly335Ala (NM_024022.4); c.623G>C, p.Gly208Ala (NM_032404.3); short protein forms G208A, G335A.
Identifiers: ClinVar variation 895547 (VCV000895547.9), dbSNP rs369161852, ClinGen allele CA10042375.